The following is an entry in ClinVar:

ClinVar aggregate classification (germline): Uncertain significance. Review status: criteria provided, multiple submitters, no conflicts (2 of 4 stars). 2 submissions from 2 submitters: Uncertain significance (2). Last evaluated 2025-07-01.

Conditions:
Inborn genetic diseases. Identifiers: MedGen C0950123, MeSH D030342.

gnomAD v4.1: 3 of 1,614,002 alleles (0.00019%); highest among the groups gnomAD compares: African/African-American, 0.0013%; no homozygotes.

Submissions (2):

CeGaT Center for Human Genetics Tuebingen
Classification: Uncertain significance. Last evaluated: 2025-07-01. Review status: criteria provided, single submitter. Criteria: CeGaT Center For Human Genetics Tuebingen Variant Classification Criteria Version 2. Collection method: clinical testing. Allele origin: germline. Affected: yes. Observed: 1 variant allele.
Comment: TRIO: PM2:Supporting, BP4

Ambry Genetics
Classification: Uncertain significance for Inborn genetic diseases. Last evaluated: 2025-03-23. Review status: criteria provided, single submitter. Criteria: Ambry Variant Classification Scheme 2023. Collection method: clinical testing. Allele origin: germline.

NM_007118.4(TRIO):c.9131C>T (p.Ala3044Val)

Gene: TRIO (trio Rho guanine nucleotide exchange factor; plus strand). Cytogenetic location: 5p15.2.
Variant type: single nucleotide variant.
Coding change: c.9131C>T on transcript NM_007118.4 (MANE Select); coding-DNA position 9131, C replaced by T.
Protein change: p.Ala3044Val; replaces alanine 3044 with valine.
Molecular consequence: missense variant. On other transcripts: non-coding transcript variant (1).
Genome position (GRCh38, 1-based): chr5:14,508,259, C>T. VCF-style: chr5-14508259-C-T. GRCh37 (hg19) VCF-style: chr5-14508368-C-T.
Other names: short protein forms A3044V.
Identifiers: ClinVar variation 3973796 (VCV003973796.9).
Genomic context (GRCh38, chr5:14,508,259, plus strand): 5'-AGGAGTTCGTGTGCTTCCTCCTGCAGGAGGACCCCGCCAAGCGTCCCTCGGCTGCGCTGG[C>T]CCTCCAGGAGCAGTGGCTGCAGGCCGGCAACGGCAGAAGCACGGGCGTCCTCGACACGTC-3'
Protein context (NP_009049.2, residues 3034-3054): DPAKRPSAAL[Ala3044Val]LQEQWLQAGN